The following is an entry in ClinVar:

ClinVar aggregate classification (germline): Conflicting classifications of pathogenicity. Review status: criteria provided, conflicting classifications (1 of 4 stars). 7 submissions from 3 submitters: Uncertain significance (3); Benign (2); Likely benign (2). Last evaluated 2020-03-30.

Conditions:
Cardiovascular phenotype. Identifiers: MedGen CN230736.
Myopathy, myofibrillar, 9, with early respiratory failure (MFM9). Also called: Myopathy, distal, with early respiratory failure, autosomal dominant; Hereditary myopathy with early respiratory failure; EDSTROM MYOPATHY; MYOPATHY, PROXIMAL, WITH EARLY RESPIRATORY MUSCLE INVOLVEMENT. Identifiers: Orphanet 178464, Orphanet 34521, MedGen C1863599, MONDO:0011362, OMIM 603689.
Early-onset myopathy with fatal cardiomyopathy (CMYO5). Also called: CONGENITAL MYOPATHY 5 WITH CARDIOMYOPATHY; Salih Myopathy. Identifiers: Orphanet 289377, MedGen C2673677, MONDO:0012714, OMIM 611705. Disease mechanism: loss of function.
Autosomal recessive limb-girdle muscular dystrophy type 2J (LGMDR10). Also called: MUSCULAR DYSTROPHY, LIMB-GIRDLE, AUTOSOMAL RECESSIVE 10; Limb-girdle muscular dystrophy, type 2J. Identifiers: Orphanet 140922, MedGen C1837342, MONDO:0012127, OMIM 608807.
Tibial muscular dystrophy (TMD). Also called: Udd Distal Myopathy – Tibial Muscular Dystrophy; UDD MYOPATHY; Tibial muscular dystrophy, tardive. Identifiers: Orphanet 609, MedGen C1838244, MONDO:0010870, OMIM 600334.
Dilated cardiomyopathy 1G (CMD1G). Identifiers: Orphanet 154, MedGen C1858763, MONDO:0011400, OMIM 604145.

Allele frequency attached by ClinVar (database versions not stated): gnomAD 0.00001; gnomAD exomes 0.00002; TOPMed 0.00002; ExAC 0.00003.
gnomAD v4.1: 11 of 1,612,240 alleles (0.00068%); highest among the groups gnomAD compares: African/African-American, 0.0053%; no homozygotes.

Submissions (7):

Ambry Genetics
Classification: Likely benign for Cardiovascular phenotype. Last evaluated: 2020-03-30. Review status: criteria provided, single submitter. Criteria: Ambry Variant Classification Scheme 2023. Collection method: clinical testing. Allele origin: germline.

GeneDx
Classification: Likely benign. Last evaluated: 2018-04-06. Review status: criteria provided, single submitter. Criteria: GeneDx Variant Classification (06012015). Collection method: clinical testing. Allele origin: germline. Affected: yes.
Comment: This variant is considered likely benign or benign based on one or more of the following criteria: it is a conservative change, it occurs at a poorly conserved position in the protein, it is predicted to be benign by multiple in silico algorithms, and/or has population frequency not consistent with disease.

Illumina Laboratory Services, Illumina
Classification: Uncertain significance for Early-onset myopathy with fatal cardiomyopathy. Last evaluated: 2018-01-12. Review status: criteria provided, single submitter. Criteria: ICSL Variant Classification Criteria 13 December 2019. Collection method: clinical testing. Allele origin: germline.

Illumina Laboratory Services, Illumina
Classification: Uncertain significance for Autosomal recessive limb-girdle muscular dystrophy type 2J. Last evaluated: 2018-01-12. Review status: criteria provided, single submitter. Criteria: ICSL Variant Classification Criteria 13 December 2019. Collection method: clinical testing. Allele origin: germline.

Illumina Laboratory Services, Illumina
Classification: Uncertain significance for Dilated cardiomyopathy 1G. Last evaluated: 2018-01-12. Review status: criteria provided, single submitter. Criteria: ICSL Variant Classification Criteria 13 December 2019. Collection method: clinical testing. Allele origin: germline.

Illumina Laboratory Services, Illumina
Classification: Benign for Myopathy, myofibrillar, 9, with early respiratory failure. Last evaluated: 2018-01-12. Review status: criteria provided, single submitter. Criteria: ICSL Variant Classification Criteria 13 December 2019. Collection method: clinical testing. Allele origin: germline.
Comment: This variant was observed in the ICSL laboratory as part of a predisposition screen in an ostensibly healthy population. It had not been previously curated by ICSL or reported in the Human Gene Mutation Database (HGMD: prior to June 1st, 2018), and was therefore a candidate for classification through an automated scoring system. Utilizing variant allele frequency, disease prevalence and penetrance estimates, and inheritance mode, an automated score was calculated to assess if this variant is too frequent to cause the disease. Based on the score and internal cut-off values, a variant classified as benign is not then subjected to further curation. The score for this variant resulted in a classification of benign for this disease.

Illumina Laboratory Services, Illumina
Classification: Benign for Tibial muscular dystrophy. Last evaluated: 2018-01-12. Review status: criteria provided, single submitter. Criteria: ICSL Variant Classification Criteria 13 December 2019. Collection method: clinical testing. Allele origin: germline.
Comment: the same text as in the submission from Illumina Laboratory Services, Illumina above.

NM_001267550.2(TTN):c.56264G>A (p.Arg18755His)

Genes: TTN (titin; minus strand), TTN-AS1 (TTN antisense RNA 1; plus strand). Cytogenetic location: 2q31.2.
Variant type: single nucleotide variant.
Coding change: c.56264G>A on transcript NM_001267550.2 (MANE Select); coding-DNA position 56264, G replaced by A.
Protein change: p.Arg18755His; replaces arginine 18755 with histidine.
Molecular consequence: missense variant. On other transcripts: non-coding transcript variant (1).
Genome position (GRCh38, 1-based): chr2:178,599,637, C>T on the plus strand (G>A on the coding strand, the complement: TTN is on the minus strand). VCF-style: chr2-178599637-C-T. GRCh37 (hg19) VCF-style: chr2-179464364-C-T.
Other names: c.51341G>A, p.Arg17114His (NM_001256850.1); c.29069G>A, p.Arg9690His (NM_003319.4); c.48560G>A, p.Arg16187His (NM_133378.4); c.29444G>A, p.Arg9815His (NM_133432.3); c.29645G>A, p.Arg9882His (NM_133437.4); short protein forms R18755H, R16187H, R9690H, R9815H, R9882H, R17114H.
Identifiers: ClinVar variation 332831 (VCV000332831.8), dbSNP rs772767570, ClinGen allele CA1993284.
Genomic context (GRCh38, chr2:178,599,637, plus strand): 5'-TTTGATGCTGTTCCCAGATTATTTACAGCTGTGATGGTATATAAGCCAGTGTCACTCCTG[C>T]GAGACTGCGGAATAACTAAAGTGCAAGTATCATCTACCACCAGTTTGTTGACATGGGTGT-3'
Protein context (NP_001254479.2, residues 18745-18765): DTCTLVIPQS[Arg18755His]RSDTGLYTIT